The following is an entry in ClinVar:

ClinVar aggregate classification (germline): Likely benign. Review status: criteria provided, single submitter (1 of 4 stars). 2 submissions from 2 submitters: Likely benign (1). 1 of the submissions does not count toward it. Last evaluated 2024-10-15.

Conditions:
DNAH17-related disorder. Also called: DNAH17-related condition.

Allele frequency attached by ClinVar (database versions not stated): gnomAD exomes 0.00028; ExAC 0.00115; 1000 Genomes Project 30x 0.00344; gnomAD 0.00362; 1000 Genomes Project 0.00399; TOPMed 0.00410; ESP Exome Variant Server 0.00416.
gnomAD v4.1: 992 of 1,614,026 alleles (0.061%); highest among the groups gnomAD compares: African/African-American, 1.1%; 11 homozygotes.

Submissions (2):

Blueprint Genetics
Classification: Likely benign. Last evaluated: 2024-10-15. Review status: criteria provided, single submitter. Criteria: ACMG Guidelines, 2015. Collection method: clinical testing. Allele origin: germline.

PreventionGenetics, part of Exact Sciences
Classification: Benign for DNAH17-related condition. Last evaluated: 2019-10-28. Review status: no assertion criteria provided. Collection method: clinical testing. Allele origin: germline. Not counted in ClinVar's aggregate classification.
Comment: This variant is classified as benign based on ACMG/AMP sequence variant interpretation guidelines (Richards et al. 2015 PMID: 25741868, with internal and published modifications).

NM_173628.4(DNAH17):c.642G>A (p.Gln214=)

Gene: DNAH17 (dynein axonemal heavy chain 17; minus strand). Cytogenetic location: 17q25.3.
Variant type: single nucleotide variant.
Coding change: c.642G>A on transcript NM_173628.4 (MANE Select); coding-DNA position 642, G replaced by A.
Protein change: p.Gln214=; no amino-acid change (glutamine 214 retained).
Molecular consequence: synonymous variant.
Genome position (GRCh38, 1-based): chr17:78,571,680, C>T on the plus strand (G>A on the coding strand, the complement: DNAH17 is on the minus strand). VCF-style: chr17-78571680-C-T. GRCh37 (hg19) VCF-style: chr17-76567762-C-T.
Identifiers: ClinVar variation 3046279 (VCV003046279.3), dbSNP rs150356181, ClinGen allele CA8805560.